The following is an entry in ClinVar:

ClinVar aggregate classification (germline): Uncertain significance (1 of 4 stars; one submission).

Conditions:
Cardiovascular phenotype. Identifiers: MedGen CN230736.

Submission:

Ambry Genetics
Classification: Uncertain significance for Cardiovascular phenotype. Last evaluated: 2026-03-08. Review status: criteria provided, single submitter. Criteria: Ambry Variant Classification Scheme 2023. Collection method: clinical testing. Allele origin: germline.
Comment: The p.E770D variant (also known as c.2310G>T), located in coding exon 15 of the CBL gene, results from a G to T substitution at nucleotide position 2310. The glutamic acid at codon 770 is replaced by aspartic acid, an amino acid with highly similar properties. This amino acid position is conserved. In addition, this alteration is predicted to be tolerated by in silico analysis. Based on the available evidence, the clinical significance of this variant remains unclear.

NM_005188.4(CBL):c.2310G>T (p.Glu770Asp)

Gene: CBL (Cbl proto-oncogene; plus strand). Cytogenetic location: 11q23.3.
Variant type: single nucleotide variant.
Coding change: c.2310G>T on transcript NM_005188.4 (MANE Select); coding-DNA position 2310, G replaced by T.
Protein change: p.Glu770Asp; replaces glutamic acid 770 with aspartic acid.
Molecular consequence: missense variant.
Genome position (GRCh38, 1-based): chr11:119,298,416, G>T. VCF-style: chr11-119298416-G-T. GRCh37 (hg19) VCF-style: chr11-119169126-G-T.
Other names: short protein forms E770D.
Identifiers: ClinVar variation 4827372 (VCV004827372.1).
Genomic context (GRCh38, chr11:119,298,416, plus strand): 5'-AGGTGAAGGGAATTTGGCCGCAGCCCATGCCAACACTGGTCCCGAGGAGTCAGAAAATGA[G>T]GATGATGGGTATGATGTCCCAAAGCCACCTGTGCCGGCCGTGCTGGCCCGCCGAACTCTC-3'
Protein context (NP_005179.2, residues 760-780): ANTGPEESEN[Glu770Asp]DDGYDVPKPP